The following is an entry in ClinVar:

NM_004369.4(COL6A3):c.3584G>A (p.Gly1195Glu)

Gene: COL6A3 (collagen type VI alpha 3 chain; minus strand). Cytogenetic location: 2q37.3.
Variant type: single nucleotide variant.
Coding change: c.3584G>A on transcript NM_004369.4 (MANE Select); coding-DNA position 3584, G replaced by A.
Protein change: p.Gly1195Glu; replaces glycine 1195 with glutamic acid.
Molecular consequence: missense variant.
Genome position (GRCh38, 1-based): chr2:237,374,507, C>T on the plus strand (G>A on the coding strand, the complement: COL6A3 is on the minus strand). VCF-style: chr2-237374507-C-T. GRCh37 (hg19) VCF-style: chr2-238283150-C-T.
Other names: c.2363G>A, p.Gly788Glu (NM_057164.5); c.2966G>A, p.Gly989Glu (NM_057165.5, NM_057167.4); c.1763G>A, p.Gly588Glu (NM_057166.5); short protein forms G1195E, G588E, G788E, G989E.
Identifiers: ClinVar variation 1713895 (VCV001713895.8), dbSNP rs2469904834, ClinGen allele CA351201912.

ClinVar aggregate classification (germline): Uncertain significance. Review status: criteria provided, multiple submitters, no conflicts (2 of 4 stars). 2 submissions from 2 submitters: Uncertain significance (2). Last evaluated 2022-07-27.

Conditions:
Bethlem myopathy 1A. Also called: MYOPATHY, BENIGN CONGENITAL, WITH CONTRACTURES; Bethlem Muscular Dystrophy; Bethlem myopathy 1. Identifiers: Orphanet 610, MedGen CN029274, MONDO:0024530, OMIM 158810.

Submissions (2):

Labcorp Genetics (formerly Invitae), Labcorp
Classification: Uncertain significance for Bethlem myopathy 1A. Last evaluated: 2022-07-27. Review status: criteria provided, single submitter. Criteria: Invitae Variant Classification Sherloc (09022015). Collection method: clinical testing. Allele origin: germline.
Comment: This sequence change replaces glycine, which is neutral and non-polar, with glutamic acid, which is acidic and polar, at codon 1195 of the COL6A3 protein (p.Gly1195Glu). This variant is not present in population databases (gnomAD no frequency). This variant has not been reported in the literature in individuals affected with COL6A3-related conditions. Advanced modeling of protein sequence and biophysical properties (such as structural, functional, and spatial information, amino acid conservation, physicochemical variation, residue mobility, and thermodynamic stability) performed at Invitae indicates that this missense variant is not expected to disrupt COL6A3 protein function. In summary, the available evidence is currently insufficient to determine the role of this variant in disease. Therefore, it has been classified as a Variant of Uncertain Significance.

Revvity Omics, Revvity
Classification: Uncertain significance. Last evaluated: 2020-08-31. Review status: criteria provided, single submitter. Criteria: ACMG Guidelines, 2015. Collection method: clinical testing. Allele origin: germline.